The following is an entry in ClinVar:

ClinVar aggregate classification (germline): Uncertain significance (1 of 4 stars; one submission).

Conditions:
Propionic acidemia (PROP). Also called: GLYCINEMIA, KETOTIC; HYPERGLYCINEMIA WITH KETOACIDOSIS AND LEUKOPENIA; KETOTIC HYPERGLYCINEMIA. Identifiers: Orphanet 35, MedGen C0268579, MONDO:0011628, OMIM 606054, HP:0003571.

Allele frequency attached by ClinVar (database versions not stated): gnomAD 0.00001; TOPMed 0.00001; gnomAD exomes 0.00002 and 0.00003; ExAC 0.00004.
gnomAD v4.1: 29 of 1,610,826 alleles (0.0018%); highest among the groups gnomAD compares: Admixed American, 0.005%; no homozygotes.

Submission:

Labcorp Genetics (formerly Invitae), Labcorp
Classification: Uncertain significance for Propionic acidemia. Last evaluated: 2022-07-05. Review status: criteria provided, single submitter. Criteria: Invitae Variant Classification Sherloc (09022015). Collection method: clinical testing. Allele origin: germline.
Comment: This sequence change replaces glutamic acid, which is acidic and polar, with lysine, which is basic and polar, at codon 237 of the PCCA protein (p.Glu237Lys). This variant is present in population databases (rs770371734, gnomAD 0.009%). This variant has not been reported in the literature in individuals affected with PCCA-related conditions. ClinVar contains an entry for this variant (Variation ID: 1448016). Advanced modeling of protein sequence and biophysical properties (such as structural, functional, and spatial information, amino acid conservation, physicochemical variation, residue mobility, and thermodynamic stability) performed at Invitae indicates that this missense variant is expected to disrupt PCCA protein function. In summary, the available evidence is currently insufficient to determine the role of this variant in disease. Therefore, it has been classified as a Variant of Uncertain Significance.

NM_000282.4(PCCA):c.709G>A (p.Glu237Lys)

Gene: PCCA (propionyl-CoA carboxylase subunit alpha; plus strand). Cytogenetic location: 13q32.3.
Variant type: single nucleotide variant.
Coding change: c.709G>A on transcript NM_000282.4 (MANE Select); coding-DNA position 709, G replaced by A.
Protein change: p.Glu237Lys; replaces glutamic acid 237 with lysine.
Molecular consequence: missense variant. On other transcripts: non-coding transcript variant (5), intron variant (3).
Genome position (GRCh38, 1-based): chr13:100,257,666, G>A. VCF-style: chr13-100257666-G-A. GRCh37 (hg19) VCF-style: chr13-100909920-G-A.
Other names: c.631G>A, p.Glu211Lys (NM_001127692.3, NM_001352607.2, NM_001352608.2); c.709G>A, p.Glu237Lys (NM_001178004.2, NM_001352605.2, NM_001352606.2 and 1 more transcripts); c.-229-5063G>A (NM_001352610.2, NM_001352611.2, NM_001352612.2); short protein forms E211K, E237K.
Identifiers: ClinVar variation 1448016 (VCV001448016.3), dbSNP rs770371734, ClinGen allele CA7033336.
Genomic context (GRCh38, chr13:100,257,666, plus strand): 5'-ATGATCAAGGCCTCAGCAGGTGGTGGTGGGAAAGGCATGCGCATTGCTTGGGATGATGAA[G>A]AGACCAGGTGAGAGGCTGTCCAAAATATACTTTTGATGAAAATTGCAGTTACCAGAGTTT-3'
Protein context (NP_000273.2, residues 227-247): KGMRIAWDDE[Glu237Lys]TRDGFRLSSQ